The following is an entry in ClinVar:

NC_000015.10:g.(?_67186987)_(67187509_?)del

Gene: SMAD3 (SMAD family member 3; plus strand). Cytogenetic location: 15q22.33.
Variant type: Deletion.
Identifiers: ClinVar variation 583993 (VCV000583993.1).

ClinVar aggregate classification (germline): Pathogenic (1 of 4 stars; one submission).

Conditions:
Familial thoracic aortic aneurysm and aortic dissection (TAAD). Also called: Thoracic aortic aneurysms and dissections. Identifiers: Orphanet 91387, MedGen C4707243, MONDO:0019625.

Submission:

Labcorp Genetics (formerly Invitae), Labcorp
Classification: Pathogenic for Thoracic aortic aneurysm and aortic dissection. Last evaluated: 2018-03-27. Review status: criteria provided, single submitter. Criteria: Invitae Variant Classification Sherloc (09022015). Collection method: clinical testing. Allele origin: germline.
Comment: This variant is an out-of-frame deletion of the genomic region encompassing exon 8 of the SMAD3 gene. This is expected to create a premature translational stop signal and result in an absent or disrupted protein product. This variant has not been reported in the literature in individuals with SMAD3-related disease. Loss-of-function variants in SMAD3 are known to be pathogenic (PMID: 21778426, 24804794). For these reasons, this variant has been classified as Pathogenic.